The following is an entry in ClinVar:

NM_020975.6(RET):c.328A>G (p.Ser110Gly)

Gene: RET (ret proto-oncogene; plus strand). Cytogenetic location: 10q11.21.
Variant type: single nucleotide variant.
Coding change: c.328A>G on transcript NM_020975.6 (MANE Select); coding-DNA position 328, A replaced by G.
Protein change: p.Ser110Gly; replaces serine 110 with glycine.
Molecular consequence: missense variant. On other transcripts: intron variant (4).
Genome position (GRCh38, 1-based): chr10:43,100,713, A>G. VCF-style: chr10-43100713-A-G. GRCh37 (hg19) VCF-style: chr10-43596161-A-G.
Other names: c.328A>G, p.Ser110Gly (NM_001406743.1, NM_001406744.1, NM_001406759.1 and 32 more transcripts); c.74-8318A>G (NM_001406784.1); c.74-11386A>G (NM_001406794.1, NM_001406792.1, NM_001406793.1); short protein forms S110G.
Identifiers: ClinVar variation 4731226 (VCV004731226.1).

ClinVar aggregate classification (germline): Uncertain significance (1 of 4 stars; one submission).

Conditions:
Multiple endocrine neoplasia, type 2 (MEN2). Identifiers: Orphanet 653, MedGen C4048306, MONDO:0019003. Disease mechanism: gain of function.

gnomAD v4.1: 1 of 1,598,942 alleles (0.000063%); highest among the groups gnomAD compares: Admixed American, 0.0017%; no homozygotes.

Submission:

Labcorp Genetics (formerly Invitae), Labcorp
Classification: Uncertain significance for Multiple endocrine neoplasia, type 2. Last evaluated: 2025-11-14. Review status: criteria provided, single submitter. Criteria: Invitae Variant Classification Sherloc (09022015). Collection method: clinical testing. Allele origin: germline.
Comment: This sequence change replaces serine, which is neutral and polar, with glycine, which is neutral and non-polar, at codon 110 of the RET protein (p.Ser110Gly). The frequency data for this variant in the population databases is considered unreliable, as metrics indicate poor data quality at this position in the gnomAD database. This variant has not been reported in the literature in individuals affected with RET-related conditions. An algorithm developed to predict the effect of missense changes on protein structure and function (PolyPhen-2) suggests that this variant is likely to be tolerated. In summary, the available evidence is currently insufficient to determine the role of this variant in disease. Therefore, it has been classified as a Variant of Uncertain Significance.